The following is an entry in ClinVar:

ClinVar aggregate classification (germline): Uncertain significance (0 of 4 stars; one submission).

Conditions:
Atrial septal defect 4 (ASD4). Identifiers: Orphanet 1478, MedGen C1969657, MONDO:0012654, OMIM 611363.

Submission:

Laboratory of Genomics, Instituto Nacional de Cardiología Ignacio Chávez
Classification: Uncertain significance for Atrial septal defect 4. Review status: no assertion criteria provided. Collection method: not provided. Allele origin: unknown.
ClinVar note: Converted during submission from unknown to Uncertain significance.

NM_001077653.2(TBX20):c.546-1224dup

Gene: TBX20 (T-box transcription factor 20; minus strand). Cytogenetic location: 7p14.2.
Variant type: Duplication.
Coding change: c.546-1224dup on transcript NM_001077653.2 (MANE Select); 1224 bases into the intron before coding-DNA position 546, one base duplicated (T; older notation c.546-1224dupT).
Molecular consequence: intron variant.
Genome position (GRCh38, 1-based): chr7:35,246,280, A duplicated on the plus strand (T on the coding strand, the reverse complement: TBX20 is on the minus strand); the first of 2 consecutive A bases (chr7:35,246,280-35,246,281); duplicating either gives the same sequence. VCF-style (leftmost placement, unchanged base first): chr7-35246279-T-TA. GRCh37 (hg19) VCF-style: chr7-35285891-T-TA.
Other names: c.546-1224dup (NM_001166220.1); c.546-1223dup (NM_001077653.2).
Identifiers: ClinVar variation 132830 (VCV000132830.2), dbSNP rs483353006, ClinGen allele CA156247.